The following is an entry in ClinVar:

ClinVar aggregate classification (germline): Uncertain significance. Review status: criteria provided, multiple submitters, no conflicts (2 of 4 stars). 6 submissions from 6 submitters: Uncertain significance (6). Last evaluated 2025-11-24.

Conditions:
Hereditary cancer-predisposing syndrome. Also called: Tumor predisposition; Hereditary Cancer Syndrome; Hereditary neoplastic syndrome; Neoplastic Syndromes, Hereditary. Identifiers: Orphanet 140162, MedGen C0027672, MeSH D009386, MONDO:0015356.
Familial cancer of breast. Also called: BREAST CANCER, FAMILIAL; Hereditary breast cancer; hereditary breast carcinoma. Identifiers: Orphanet 227535, MedGen C0346153, MONDO:0016419, OMIM 114480. Disease mechanism: loss of function.

Allele frequency attached by ClinVar (database versions not stated): gnomAD exomes below 0.00001.

Submissions (6):

Labcorp Genetics (formerly Invitae), Labcorp
Classification: Uncertain significance for Familial cancer of breast. Last evaluated: 2025-11-24. Review status: criteria provided, single submitter. Criteria: Invitae Variant Classification Sherloc (09022015). Collection method: clinical testing. Allele origin: germline.
Comment: This sequence change replaces cysteine, which is neutral and slightly polar, with tyrosine, which is neutral and polar, at codon 933 of the PALB2 protein (p.Cys933Tyr). This variant is not present in population databases (gnomAD no frequency). This variant has not been reported in the literature in individuals affected with PALB2-related conditions. ClinVar contains an entry for this variant (Variation ID: 182770). Invitae Evidence Modeling of protein sequence and biophysical properties (such as structural, functional, and spatial information, amino acid conservation, physicochemical variation, residue mobility, and thermodynamic stability) indicates that this missense variant is expected to disrupt PALB2 protein function with a positive predictive value of 80%. Experimental studies are conflicting or provide insufficient evidence to determine the effect of this variant on PALB2 function (PMID: 31636395). In summary, the available evidence is currently insufficient to determine the role of this variant in disease. Therefore, it has been classified as a Variant of Uncertain Significance.

Ambry Genetics
Classification: Uncertain significance for Hereditary cancer-predisposing syndrome. Last evaluated: 2025-09-02. Review status: criteria provided, single submitter. Criteria: Ambry Variant Classification Scheme 2023. Collection method: clinical testing. Allele origin: germline.
Comment: The p.C933Y variant (also known as c.2798G>A), located in coding exon 8 of the PALB2 gene, results from a G to A substitution at nucleotide position 2798. The cysteine at codon 933 is replaced by tyrosine, an amino acid with highly dissimilar properties. This amino acid position is highly conserved in available vertebrate species. In addition, the in silico prediction for this alteration is inconclusive. This alteration was found to be functionally inconclusive in a homology-directed DNA repair (HDR) assay (Wiltshire T et al. Genet Med, 2020 Mar;22:622-632). Based on the available evidence, the clinical significance of this variant remains unclear.

Color Diagnostics, LLC DBA Color Health
Classification: Uncertain significance for Hereditary cancer-predisposing syndrome. Last evaluated: 2024-04-16. Review status: criteria provided, single submitter. Criteria: ACMG Guidelines, 2015. Collection method: clinical testing. Allele origin: germline.
Comment: This missense variant replaces cysteine with tyrosine at codon 933 of the PALB2 protein. Computational prediction suggests that this variant may not impact protein structure and function. A functional study has reported that this variant did not impact PALB2 function in a homlogy-directed DNA repair assay (PMID: 31636395). This variant has been detected in a breast cancer case-control meta-analysis in 0/60466 cases and 1/53461 unaffected individuals (PMID: 33471991; Leiden Open Variation Database DB-ID PALB2_010692). This variant has not been identified in the general population by the Genome Aggregation Database (gnomAD). The available evidence is insufficient to determine the role of this variant in disease conclusively. Therefore, this variant is classified as a Variant of Uncertain Significance.

Baylor Genetics
Classification: Uncertain significance for Familial cancer of breast. Last evaluated: 2024-01-30. Review status: criteria provided, single submitter. Criteria: ACMG Guidelines, 2015. Collection method: clinical testing. Allele origin: unknown.

Quest Diagnostics Nichols Institute San Juan Capistrano
Classification: Uncertain significance. Last evaluated: 2024-01-05. Review status: criteria provided, single submitter. Criteria: Quest Diagnostics criteria. Collection method: clinical testing. Allele origin: unknown.
Comment: The PALB2 c.2798G>A (p.Cys933Tyr) variant has been reported in the published literature in a large-scale breast cancer association study in a reportedly healthy individual (PMID: 33471991 (2021), see also LOVD). An experimental study reports the variant does not impact homology directed repair (HDR) activity, however further evidence is needed to understand the global effect on PALB2 function (PMID: 31636395 (2020)). This variant has not been reported in large, multi-ethnic general populations (Genome Aggregation Database). Analysis of this variant using bioinformatics tools for the prediction of the effect of amino acid changes on protein structure and function yielded predictions that this variant is damaging. Based on the available information, we are unable to determine the clinical significance of this variant.

GeneDx
Classification: Uncertain significance. Last evaluated: 2014-08-11. Review status: criteria provided, single submitter. Criteria: GeneDx Variant Classification (06012015). Collection method: clinical testing. Allele origin: germline. Affected: yes.
Comment: This variant is denoted PALB2 c.2798G>A at the cDNA level, p.Cys933Tyr (C933Y) at the protein level, and results in the change of a Cysteine to a Tyrosine (TGT>TAT). This variant has not, to our knowledge, been published in the literature as pathogenic or benign. PALB2 Cys933Tyr was not observed in approximately 6,500 individuals of European and African American ancestry in the NHLBI Exome Sequencing Project, indicating it is not a common benign variant in these populations. Since Cysteine and Tyrosine differ in polarity, charge, size or other properties, this is considered a non-conservative amino acid substitution. PALB2 Cys933Tyr occurs at a position that is conserved across species and is located in the region responsible for interaction with RAD51, POLH and BRCA2. In silico analyses predict that this variant is probably damaging to protein structure and function. Based on currently available information, it is unclear whether PALB2 Cys933Tyr is pathogenic or benign. We consider it to be a variant of uncertain significance.

Literature cited by the submitters: PubMed 31636395 (cited by 4 submitters); PubMed 33471991 (cited by Color Diagnostics, LLC DBA Color Health and Quest Diagnostics Nichols Institute San Juan Capistrano).

NM_024675.4(PALB2):c.2798G>A (p.Cys933Tyr)

Gene: PALB2 (partner and localizer of BRCA2; minus strand). Cytogenetic location: 16p12.2.
Variant type: single nucleotide variant.
Coding change: c.2798G>A on transcript NM_024675.4 (MANE Select); coding-DNA position 2798, G replaced by A.
Protein change: p.Cys933Tyr; replaces cysteine 933 with tyrosine.
Molecular consequence: missense variant.
Genome position (GRCh38, 1-based): chr16:23,624,045, C>T on the plus strand (G>A on the coding strand, the complement: PALB2 is on the minus strand). VCF-style: chr16-23624045-C-T. GRCh37 (hg19) VCF-style: chr16-23635366-C-T.
Other names: p.C933Y:TGT>TAT; short protein forms C933Y.
Identifiers: ClinVar variation 182770 (VCV000182770.22), dbSNP rs730881891, ClinGen allele CA299737.